The following is an entry in ClinVar:

ClinVar aggregate classification (germline): Uncertain significance (1 of 4 stars; one submission).

Allele frequency attached by ClinVar (database versions not stated): TOPMed below 0.00001.

Submission:

Labcorp Genetics (formerly Invitae), Labcorp
Classification: Uncertain significance. Last evaluated: 2022-08-04. Review status: criteria provided, single submitter. Criteria: Invitae Variant Classification Sherloc (09022015). Collection method: clinical testing. Allele origin: germline.
Comment: This sequence change replaces aspartic acid, which is acidic and polar, with asparagine, which is neutral and polar, at codon 754 of the TBCK protein (p.Asp754Asn). This variant is not present in population databases (gnomAD no frequency). This variant has not been reported in the literature in individuals affected with TBCK-related conditions. ClinVar contains an entry for this variant (Variation ID: 1391096). Algorithms developed to predict the effect of missense changes on protein structure and function (SIFT, PolyPhen-2, Align-GVGD) all suggest that this variant is likely to be tolerated. In summary, the available evidence is currently insufficient to determine the role of this variant in disease. Therefore, it has been classified as a Variant of Uncertain Significance.

NM_001163435.3(TBCK):c.2260G>A (p.Asp754Asn)

Gene: TBCK (TBC1 domain containing kinase; minus strand). Cytogenetic location: 4q24.
Variant type: single nucleotide variant.
Coding change: c.2260G>A on transcript NM_001163435.3 (MANE Select); coding-DNA position 2260, G replaced by A.
Protein change: p.Asp754Asn; replaces aspartic acid 754 with asparagine.
Molecular consequence: missense variant.
Genome position (GRCh38, 1-based): chr4:106,116,354, C>T on the plus strand (G>A on the coding strand, the complement: TBCK is on the minus strand). VCF-style: chr4-106116354-C-T. GRCh37 (hg19) VCF-style: chr4-107037511-C-T.
Other names: c.2260G>A, p.Asp754Asn (NM_001163436.4); c.2143G>A, p.Asp715Asn (NM_001163437.3); c.1744G>A, p.Asp582Asn (NM_001290768.2); c.2071G>A, p.Asp691Asn (NM_033115.5); short protein forms D691N, D582N, D715N, D754N.
Identifiers: ClinVar variation 1391096 (VCV001391096.3), dbSNP rs1743502578, ClinGen allele CA357972214.